The following is an entry in ClinVar:

ClinVar aggregate classification (germline): Uncertain significance (1 of 4 stars; one submission).

Conditions:
Familial cancer of breast. Also called: hereditary breast carcinoma; Hereditary breast cancer; BREAST CANCER, FAMILIAL. Identifiers: Orphanet 227535, MedGen C0346153, MONDO:0016419, OMIM 114480. Disease mechanism: loss of function.

Submission:

Labcorp Genetics (formerly Invitae), Labcorp
Classification: Uncertain significance for Familial cancer of breast. Last evaluated: 2025-11-02. Review status: criteria provided, single submitter. Criteria: Invitae Variant Classification Sherloc (09022015). Collection method: clinical testing. Allele origin: germline.
Comment: This sequence change replaces phenylalanine, which is neutral and non-polar, with isoleucine, which is neutral and non-polar, at codon 369 of the CHEK2 protein (p.Phe369Ile). This variant is not present in population databases (gnomAD no frequency). This variant has not been reported in the literature in individuals affected with CHEK2-related conditions. ClinVar contains an entry for this variant (Variation ID: 2711487). An algorithm developed to predict the effect of missense changes on protein structure and function (PolyPhen-2) suggests that this variant is likely to be disruptive. In summary, the available evidence is currently insufficient to determine the role of this variant in disease. Therefore, it has been classified as a Variant of Uncertain Significance.

NM_007194.4(CHEK2):c.1105T>A (p.Phe369Ile)

Gene: CHEK2 (checkpoint kinase 2; minus strand). Cytogenetic location: 22q12.1.
Variant type: single nucleotide variant.
Coding change: c.1105T>A on transcript NM_007194.4 (MANE Select); coding-DNA position 1105, T replaced by A.
Protein change: p.Phe369Ile; replaces phenylalanine 369 with isoleucine.
Molecular consequence: missense variant.
Genome position (GRCh38, 1-based): chr22:28,695,864, A>T on the plus strand (T>A on the coding strand, the complement: CHEK2 is on the minus strand). VCF-style: chr22-28695864-A-T. GRCh37 (hg19) VCF-style: chr22-29091852-A-T.
Other names: c.1234T>A, p.Phe412Ile (NM_001005735.3); c.442T>A, p.Phe148Ile (NM_001257387.3); c.904T>A, p.Phe302Ile (NM_001349956.3); c.1018T>A, p.Phe340Ile (NM_145862.3); short protein forms F340I, F369I, F148I, F302I, F412I.
Identifiers: ClinVar variation 2711487 (VCV002711487.3), dbSNP rs2145806990, ClinGen allele CA411097165.
Genomic context (GRCh38, chr22:28,695,864, plus strand): 5'-TGGGGGTTCCACATAAGGTTCTCATGAGAGAGGTCTCTCCCAAAATCTTGGAGTGCCCAA[A>T]ATCAGTAATCTAAAATTCAGTACAAAAGGGAATAATGTTGAACTTGCCATAAAATAAAAA-3'
Protein context (NP_009125.1, residues 359-379): EEDCLIKITD[Phe369Ile]GHSKILGETS